The following is an entry in ClinVar:

ClinVar aggregate classification (germline): Uncertain significance (1 of 4 stars; one submission).

Allele frequency attached by ClinVar (database versions not stated): TOPMed below 0.00001; ExAC 0.00001; gnomAD exomes 0.00001.

Submission:

Labcorp Genetics (formerly Invitae), Labcorp
Classification: Uncertain significance. Last evaluated: 2025-12-19. Review status: criteria provided, single submitter. Criteria: Invitae Variant Classification Sherloc (09022015). Collection method: clinical testing. Allele origin: germline.
Comment: This sequence change creates a premature translational stop signal (p.Tyr56*) in the PSENEN gene. While this is not anticipated to result in nonsense mediated decay, it is expected to disrupt the last 46 amino acid(s) of the PSENEN protein. This variant is present in population databases (rs751542345, gnomAD 0.01%). This premature translational stop signal has been observed in individual(s) with clinical features of hidradenitis suppurativa and Dowling-Degos disease (PMID: 28922471, 32142795). ClinVar contains an entry for this variant (Variation ID: 1045159). Experimental studies and prediction algorithms are not available or were not evaluated, and the functional significance of this variant is currently unknown. Studies have shown that this premature translational stop signal alters PSENEN gene expression (PMID: 32142795). Algorithms developed to predict the effect of sequence changes on RNA splicing suggest that this variant may disrupt the consensus splice site. In summary, the available evidence is currently insufficient to determine the role of this variant in disease. Therefore, it has been classified as a Variant of Uncertain Significance.

Literature cited by the submitters: PubMed 28922471; PubMed 32142795.

NM_172341.4(PSENEN):c.168T>G (p.Tyr56Ter)

Gene: PSENEN (presenilin enhancer, gamma-secretase subunit; plus strand). Cytogenetic location: 19q13.12.
Variant type: single nucleotide variant.
Coding change: c.168T>G on transcript NM_172341.4 (MANE Select); coding-DNA position 168, T replaced by G.
Protein change: p.Tyr56Ter; replaces tyrosine 56 with a stop codon.
Molecular consequence: nonsense.
Genome position (GRCh38, 1-based): chr19:35,746,709, T>G. VCF-style: chr19-35746709-T-G. GRCh37 (hg19) VCF-style: chr19-36237610-T-G.
Other names: c.168T>G, p.Tyr56Ter (NM_001281532.3); short protein forms Y56*.
Identifiers: ClinVar variation 1045159 (VCV001045159.8), dbSNP rs751542345, ClinGen allele CA9387057.